The following is an entry in ClinVar:

NM_004859.4(CLTC):c.4903+4A>C

Gene: CLTC (clathrin heavy chain; plus strand). Cytogenetic location: 17q23.1.
Variant type: single nucleotide variant.
Coding change: c.4903+4A>C on transcript NM_004859.4 (MANE Select); 4 bases into the intron after coding-DNA position 4903, A replaced by C.
Molecular consequence: intron variant.
Genome position (GRCh38, 1-based): chr17:59,690,715, A>C. VCF-style: chr17-59690715-A-C. GRCh37 (hg19) VCF-style: chr17-57768076-A-C.
Other names: c.4915+4A>C (NM_001288653.2).
Identifiers: ClinVar variation 2269891 (VCV002269891.2), dbSNP rs2033276579, ClinGen allele CA400424177.
Genomic context (GRCh38, chr17:59,690,715, plus strand): 5'-CAGAATCACTGAGAAAAGAAGAAGAACAAGCTACAGAGACACAACCCATTGTTTATGGTA[A>C]TCTCTCTCTGTAACCTCAAAAAATTCATTAGACAAATATTTAATTACTTAGAGACTGTGC-3'

ClinVar aggregate classification (germline): Uncertain significance (1 of 4 stars; one submission).

Conditions:
Inborn genetic diseases. Identifiers: MedGen C0950123, MeSH D030342.

Allele frequency attached by ClinVar (database versions not stated): TOPMed below 0.00001.

Submission:

Ambry Genetics
Classification: Uncertain significance for Inborn genetic diseases. Last evaluated: 2022-03-29. Review status: criteria provided, single submitter. Criteria: Ambry Variant Classification Scheme 2023. Collection method: clinical testing. Allele origin: germline.
Comment: The c.4903+4A>C intronic alteration consists of a A to C substitution 4 nucleotides after exon 31 of the CLTC gene. Based on insufficient or conflicting evidence, the clinical significance of this alteration remains unclear.